The following is an entry in ClinVar:

ClinVar aggregate classification (germline): Benign. Review status: criteria provided, multiple submitters, no conflicts (2 of 4 stars). 2 submissions from 2 submitters: Benign (2). Last evaluated 2018-01-12.

Conditions:
Disorders of Intracellular Cobalamin Metabolism. Identifiers: MedGen CN043592.

Allele frequency attached by ClinVar (database versions not stated): 1000 Genomes Project 30x 0.00625; TOPMed 0.00716; 1000 Genomes Project 0.00559.

Submissions (2):

Illumina Laboratory Services, Illumina
Classification: Benign for Disorders of Intracellular Cobalamin Metabolism. Last evaluated: 2018-01-12. Review status: criteria provided, single submitter. Criteria: ICSL Variant Classification Criteria 13 December 2019. Collection method: clinical testing. Allele origin: germline.
Comment: This variant was observed in the ICSL laboratory as part of a predisposition screen in an ostensibly healthy population. It had not been previously curated by ICSL or reported in the Human Gene Mutation Database (HGMD: prior to June 1st, 2018), and was therefore a candidate for classification through an automated scoring system. Utilizing variant allele frequency, disease prevalence and penetrance estimates, and inheritance mode, an automated score was calculated to assess if this variant is too frequent to cause the disease. Based on the score and internal cut-off values, a variant classified as benign is not then subjected to further curation. The score for this variant resulted in a classification of benign for this disease.

Breakthrough Genomics
Classification: Benign. Review status: criteria provided, single submitter. Criteria: ACMG Guidelines, 2015. Collection method: not provided. Allele origin: germline. Inheritance: Autosomal recessive inheritance. Affected: yes.

NM_000254.3(MTR):c.*5756C>G

Gene: MTR (5-methyltetrahydrofolate-homocysteine methyltransferase; plus strand). Cytogenetic location: 1q43.
Variant type: single nucleotide variant.
Coding change: c.*5756C>G on transcript NM_000254.3 (MANE Select); 5756 bases downstream of the stop codon, C replaced by G.
Molecular consequence: 3 prime UTR variant.
Genome position (GRCh38, 1-based): chr1:236,903,400, C>G. VCF-style: chr1-236903400-C-G. GRCh37 (hg19) VCF-style: chr1-237066700-C-G.
Other names: c.*5756C>G (NM_001291939.1, NM_001291940.2).
Identifiers: ClinVar variation 875868 (VCV000875868.5), dbSNP rs16834543, ClinGen allele CA39769067.